The following is an entry in ClinVar:

NM_020937.4(FANCM):c.3253G>A (p.Val1085Ile)

Gene: FANCM (FA complementation group M; plus strand). Cytogenetic location: 14q21.2.
Variant type: single nucleotide variant.
Coding change: c.3253G>A on transcript NM_020937.4 (MANE Select); coding-DNA position 3253, G replaced by A.
Protein change: p.Val1085Ile; replaces valine 1085 with isoleucine.
Molecular consequence: missense variant.
Genome position (GRCh38, 1-based): chr14:45,176,007, G>A. VCF-style: chr14-45176007-G-A. GRCh37 (hg19) VCF-style: chr14-45645210-G-A.
Other names: c.3175G>A, p.Val1059Ile (NM_001308133.2); short protein forms V1059I, V1085I.
Identifiers: ClinVar variation 3848528 (VCV003848528.1).

ClinVar aggregate classification (germline): Uncertain significance (1 of 4 stars; one submission).

Conditions:
Inborn genetic diseases. Identifiers: MedGen C0950123, MeSH D030342.

gnomAD v4.1: 2 of 1,613,546 alleles (0.00012%); highest among the groups gnomAD compares: African/African-American, 0.0027%; no homozygotes.

Submission:

Ambry Genetics
Classification: Uncertain significance for Inborn genetic diseases. Last evaluated: 2024-12-21. Review status: criteria provided, single submitter. Criteria: Ambry Variant Classification Scheme 2023. Collection method: clinical testing. Allele origin: germline.
Comment: The p.V1085I variant (also known as c.3253G>A), located in coding exon 14 of the FANCM gene, results from a G to A substitution at nucleotide position 3253. The valine at codon 1085 is replaced by isoleucine, an amino acid with highly similar properties. This amino acid position is conserved. In addition, this alteration is predicted to be tolerated by in silico analysis. Based on the available evidence, the clinical significance of this variant remains unclear.